The following is an entry in ClinVar:

ClinVar aggregate classification (germline): Uncertain significance (1 of 4 stars; one submission).

Submission:

GeneDx
Classification: Uncertain significance. Last evaluated: 2025-06-24. Review status: criteria provided, single submitter. Criteria: GeneDx Variant Classification Process June 2021. Collection method: clinical testing. Allele origin: germline. Affected: yes.
Comment: Not observed at significant frequency in large population cohorts (gnomAD); In silico analysis is inconclusive as to whether the variant alters gene splicing. In the absence of RNA/functional studies, the actual effect of this sequence change is unknown.; Has not been previously published as pathogenic or benign to our knowledge

NM_003482.4(KMT2D):c.5868-8C>A

Gene: KMT2D (lysine methyltransferase 2D; minus strand). Cytogenetic location: 12q13.12.
Variant type: single nucleotide variant.
Coding change: c.5868-8C>A on transcript NM_003482.4 (MANE Select); 8 bases into the intron before coding-DNA position 5868, C replaced by A.
Molecular consequence: intron variant.
Genome position (GRCh38, 1-based): chr12:49,042,338, G>T on the plus strand (C>A on the coding strand, the complement: KMT2D is on the minus strand). VCF-style: chr12-49042338-G-T. GRCh37 (hg19) VCF-style: chr12-49436121-G-T.
Identifiers: ClinVar variation 4540175 (VCV004540175.1).